The following is an entry in ClinVar:

ClinVar aggregate classification (germline): Pathogenic (1 of 4 stars; one submission).

Submission:

Labcorp Genetics (formerly Invitae), Labcorp
Classification: Pathogenic. Last evaluated: 2022-12-24. Review status: criteria provided, single submitter. Criteria: Invitae Variant Classification Sherloc (09022015). Collection method: clinical testing. Allele origin: germline.
Comment: This variant has not been reported in the literature in individuals affected with LAMA3-related conditions. This variant is not present in population databases (gnomAD no frequency). This sequence change creates a premature translational stop signal (p.Ala362Glyfs*2) in the LAMA3 gene. It is expected to result in an absent or disrupted protein product. Loss-of-function variants in LAMA3 are known to be pathogenic (PMID: 10366601, 11810295, 12915477, 16473856, 17362460, 22434185, 23869449, 27827380, 28087116). For these reasons, this variant has been classified as Pathogenic.

Literature cited by the submitters: PubMed 10366601; PubMed 11810295; PubMed 12915477; PubMed 16473856; PubMed 17362460; PubMed 22434185; PubMed 23869449; PubMed 27827380; PubMed 28087116.

NM_198129.4(LAMA3):c.5911dup (p.Ala1971fs)

Gene: LAMA3 (laminin subunit alpha 3; plus strand). Cytogenetic location: 18q11.2.
Variant type: Duplication.
Coding change: c.5911dup on transcript NM_198129.4 (MANE Select); coding-DNA position 5911, one base duplicated (G; older notation c.5911dupG).
Protein change: p.Ala1971fs; shifts the reading frame from alanine 1971.
Molecular consequence: frameshift variant. On other transcripts: intron variant (2).
Genome position (GRCh38, 1-based): chr18:23,899,362, G duplicated; the last of 3 consecutive G bases (chr18:23,899,360-23,899,362); duplicating any one gives the same sequence. VCF-style (leftmost placement, unchanged base first): chr18-23899359-T-TG. GRCh37 (hg19) VCF-style: chr18-21479323-T-TG.
Other names: c.1084dup, p.Ala362fs (NM_000227.6); c.5836+297dup (NM_001127717.4); c.1009+297dup (NM_001127718.4); short protein forms A362fs, A1971fs.
Identifiers: ClinVar variation 2823795 (VCV002823795.3), dbSNP rs2511381156, ClinGen allele CA2739268589.